The following is an entry in ClinVar:

ClinVar aggregate classification (germline): Uncertain significance (1 of 4 stars; one submission).

Allele frequency attached by ClinVar (database versions not stated): gnomAD exomes below 0.00001; TOPMed 0.00001.
gnomAD v4.1: 3 of 1,612,674 alleles (0.00019%); highest among the groups gnomAD compares: African/African-American, 0.0027%; no homozygotes.

Submission:

GeneDx
Classification: Uncertain significance. Last evaluated: 2014-02-12. Review status: criteria provided, single submitter. Criteria: GeneDx Variant Classification (06012015). Collection method: clinical testing. Allele origin: germline. Affected: yes.
Comment: Missense variants in the TTN gene are considered 'unclassified' if they are not previously reported in the literature and do not have >1% frequency in the population to be considered a polymorphism. Research indicates that truncating mutations in the TTN gene are expected to account for approximately 25% of familial and 18% of sporadic idiopathic DCM; however, truncating variants in the TTN gene have been reported in approximately 3% of reported control alleles. There has been little investigation into non-truncating variants. (Herman D et al. Truncations of titin causing dilated cardiomyopathy. N Eng J Med 366:619-628, 2012) The variant is found in DCM-CRDM panel(s).

NM_001267550.2(TTN):c.56150C>T (p.Thr18717Ile)

Genes: TTN (titin; minus strand), TTN-AS1 (TTN antisense RNA 1; plus strand). Cytogenetic location: 2q31.2.
Variant type: single nucleotide variant.
Coding change: c.56150C>T on transcript NM_001267550.2 (MANE Select); coding-DNA position 56150, C replaced by T.
Protein change: p.Thr18717Ile; replaces threonine 18717 with isoleucine.
Molecular consequence: missense variant.
Genome position (GRCh38, 1-based): chr2:178,599,751, G>A on the plus strand (C>T on the coding strand, the complement: TTN is on the minus strand). VCF-style: chr2-178599751-G-A. GRCh37 (hg19) VCF-style: chr2-179464478-G-A.
Other names: p.T17076I:ACC>ATC; c.51227C>T, p.Thr17076Ile (NM_001256850.1); c.28955C>T, p.Thr9652Ile (NM_003319.4); c.48446C>T, p.Thr16149Ile (NM_133378.4); c.29330C>T, p.Thr9777Ile (NM_133432.3); c.29531C>T, p.Thr9844Ile (NM_133437.4); short protein forms T17076I, T18717I, T9652I, T16149I, T9777I, T9844I.
Identifiers: ClinVar variation 202726 (VCV000202726.2), dbSNP rs794729460, ClinGen allele CA310098.